The following is an entry in ClinVar:

ClinVar aggregate classification (germline): Pathogenic (1 of 4 stars; one submission).

Conditions:
X-linked mixed hearing loss with perilymphatic gusher. Also called: PERILYMPHATIC GUSHER-DEAFNESS SYNDROME; SENSORINEURAL DEAFNESS, PROFOUND, WITH OR WITHOUT A CONDUCTIVE COMPONENT, ASSOCIATED WITH A UNIQUE DEVELOPMENTAL ABNORMALITY OF THE EAR; NANCE DEAFNESS; Gusher syndrome; Deafness, X-linked 2. Identifiers: Orphanet 383, MedGen C1844678, MONDO:0010576, OMIM 304400.

Submission:

Laboratory of Molecular Genetics, Yakut Science Centre of Complex Medical Problems
Classification: Pathogenic for X-linked mixed hearing loss with perilymphatic gusher. Last evaluated: 2017-09-10. Review status: criteria provided, single submitter. Criteria: Submitter's publication. Collection method: research. Allele origin: germline. Inheritance: X-linked recessive inheritance. Affected: yes. Observed: 4 variant alleles, 2 heterozygotes, 2 homozygotes. Clinical features observed: Deafness.
Comment: We revealed a novel hemizygous transition c.975G>A in the POU3F4 gene in two deaf half-brothers from one Yakut family (Eastern Siberia, Russia) with identical inner ear abnormalities specific to the X-linked deafness-2 (DFNX2, MIM 304400). The c.975G>A transition leads to a stop codon (p.Trp325*) in the evolutionary conservative and functionally significant homeodomain of the POU3F4 (Brain 4) protein. Transition c.975G>A in the POU3F4 gene had not previously been reported in the 1000 Genomes, the ESP6500, and the ExAC projects. In our study the c.975G>A (p.Trp325*) variant was not found in other examined GJB2-negative patients with hearing loss (deaf Yakut males, n = 68) and in the control samples (healthy Yakut females, n = 123). The comprehensive clinical examination of both half-brothers revealed the association of novel truncating transition c.975G>A (p.Trp325*) in the POU3F4 gene with inner ear malformations ("corkscrew" cochlea with an absence of modiolus) and mixed (sensorineural and conductive) progressive bilateral hearing loss. These clinical features correspond to early reported cases of the male patients with hemizygous pathogenic variants in the POU3F4 gene associated with DFNX2. Moreover, the enlargement of semicircular canals and the postural disorders manifesting as a moderate vertical instability according to the Romberg test (PMID:29287890 - Appendix B. Supplementary Fig. 2C) were detected by additional MRI and computed stabilometry in two affected siblings with c.975G>A (p.Trp325*) in the POU3F4 gene. Thus, we believe that our findings expand currently available clinical information about the male patients with X-linked deafness-2 (DFNX2, MIM 304400) caused by pathogenic variants in POU3F4 gene. Similar clinical findings were observed in some cases in females heterozygous for pathogenic variants in the POU3F4 gene.

Literature cited by the submitters: DOI 10.1016/j.ijporl.2017.11.001.

NM_000307.5(POU3F4):c.975G>A (p.Trp325Ter)

Gene: POU3F4 (POU class 3 homeobox 4; plus strand). Cytogenetic location: Xq21.1.
Variant type: single nucleotide variant.
Coding change: c.975G>A on transcript NM_000307.5 (MANE Select); coding-DNA position 975, G replaced by A.
Protein change: p.Trp325Ter; replaces tryptophan 325 with a stop codon.
Molecular consequence: nonsense.
Genome position (GRCh38, 1-based): chrX:83,509,299, G>A. VCF-style: chrX-83509299-G-A. GRCh37 (hg19) VCF-style: chrX-82764307-G-A.
Other names: short protein forms W325*.
Identifiers: ClinVar variation 599350 (VCV000599350.2), dbSNP rs1569280385, ClinGen allele CA413752735.